The following is an entry in ClinVar:

NM_001267550.2(TTN):c.609G>C (p.Lys203Asn)

Gene: TTN (titin; minus strand). Cytogenetic location: 2q31.2.
Variant type: single nucleotide variant.
Coding change: c.609G>C on transcript NM_001267550.2 (MANE Select); coding-DNA position 609, G replaced by C.
Protein change: p.Lys203Asn; replaces lysine 203 with asparagine.
Molecular consequence: missense variant.
Genome position (GRCh38, 1-based): chr2:178,799,885, C>G on the plus strand (G>C on the coding strand, the complement: TTN is on the minus strand). VCF-style: chr2-178799885-C-G. GRCh37 (hg19) VCF-style: chr2-179664612-C-G.
Other names: c.609G>C, p.Lys203Asn (NM_133378.4, NM_001256850.1, NM_003319.4 and 3 more transcripts); short protein forms K203N.
Identifiers: ClinVar variation 504997 (VCV000504997.5), dbSNP rs1554042109, ClinGen allele CA349525212.

ClinVar aggregate classification (germline): Uncertain significance (1 of 4 stars; one submission).

Submission:

Laboratory for Molecular Medicine, Mass General Brigham Personalized Medicine
Classification: Uncertain significance. Last evaluated: 2016-05-06. Review status: criteria provided, single submitter. Criteria: LMM Criteria. Collection method: clinical testing. Allele origin: germline. Observed: 1 variant allele.
Comment: The p.Lys203Asn variant in TTN has not been previously reported in individuals w ith cardiomyopathy and was absent from large population studies. Computational p rediction tools and conservation analysis do not provide strong support for or a gainst an impact to the protein. In summary, the clinical significance of the p. Lys203Asn variant is uncertain.